The following is an entry in ClinVar:

ClinVar aggregate classification (germline): Conflicting classifications of pathogenicity. Review status: criteria provided, conflicting classifications (1 of 4 stars). 3 submissions from 3 submitters: Uncertain significance (1); Likely benign (1). 1 of the submissions does not count toward it. Last evaluated 2024-09-15.

Conditions:
RPGR-related disorder. Also called: RPGR-related condition.
Primary ciliary dyskinesia. Also called: Ciliary dyskinesia. Identifiers: Orphanet 244, MedGen C0008780, MONDO:0016575, HP:0012265.

Allele frequency attached by ClinVar (database versions not stated): TOPMed 0.00003; gnomAD 0.00004; ExAC 0.00007; 1000 Genomes Project 30x 0.00062; 1000 Genomes Project 0.00079.
gnomAD v4.1: 22 of 1,209,312 alleles (0.0018%); highest among the groups gnomAD compares: East Asian, 0.062%; no homozygotes.

Submissions (3):

Labcorp Genetics (formerly Invitae), Labcorp
Classification: Uncertain significance for Primary ciliary dyskinesia. Last evaluated: 2024-09-15. Review status: criteria provided, single submitter. Criteria: Invitae Variant Classification Sherloc (09022015). Collection method: clinical testing. Allele origin: germline.
Comment: This sequence change replaces glutamic acid, which is acidic and polar, with aspartic acid, which is acidic and polar, at codon 1117 of the RPGR (ORF15) protein (p.Glu1117Asp). The frequency data for this variant in the population databases is considered unreliable, as metrics indicate poor data quality at this position in the gnomAD database. This variant has not been reported in the literature in individuals affected with RPGR (ORF15)-related conditions. ClinVar contains an entry for this variant (Variation ID: 2203444). Invitae Evidence Modeling of protein sequence and biophysical properties (such as structural, functional, and spatial information, amino acid conservation, physicochemical variation, residue mobility, and thermodynamic stability) indicates that this missense variant is not expected to disrupt RPGR (ORF15) protein function with a negative predictive value of 95%. In summary, the available evidence is currently insufficient to determine the role of this variant in disease. Therefore, it has been classified as a Variant of Uncertain Significance.

Blueprint Genetics
Classification: Likely benign. Last evaluated: 2024-03-05. Review status: criteria provided, single submitter. Criteria: ACMG Guidelines, 2015. Collection method: clinical testing. Allele origin: germline.

PreventionGenetics, part of Exact Sciences
Classification: Likely benign for RPGR-related condition. Last evaluated: 2024-09-13. Review status: no assertion criteria provided. Collection method: clinical testing. Allele origin: germline. Not counted in ClinVar's aggregate classification.
Comment: This variant is classified as likely benign based on ACMG/AMP sequence variant interpretation guidelines (Richards et al. 2015 PMID: 25741868, with internal and published modifications).

NM_001034853.2(RPGR):c.3351G>C (p.Glu1117Asp)

Gene: RPGR (retinitis pigmentosa GTPase regulator; minus strand). Cytogenetic location: Xp11.4.
Variant type: single nucleotide variant.
Coding change: c.3351G>C on transcript NM_001034853.2 (MANE Select); coding-DNA position 3351, G replaced by C.
Protein change: p.Glu1117Asp; replaces glutamic acid 1117 with aspartic acid.
Molecular consequence: missense variant. On other transcripts: intron variant (8).
Genome position (GRCh38, 1-based): chrX:38,285,648, C>G on the plus strand (G>C on the coding strand, the complement: RPGR is on the minus strand). VCF-style: chrX-38285648-C-G. GRCh37 (hg19) VCF-style: chrX-38144901-C-G.
Other names: c.1569+5311G>C (NM_001367249.1, NM_001367250.1); c.1902+1446G>C (NM_001367245.1); c.1386+5311G>C (NM_001367251.1); c.1719+1446G>C (NM_001367246.1); c.1572+5311G>C (NM_001367247.1); c.1905+1446G>C (NM_000328.3); c.1602+5311G>C (NM_001367248.1); c.3351G>C (NM_001034853.1); short protein forms E1117D.
Identifiers: ClinVar variation 2203444 (VCV002203444.7), dbSNP rs199691696, ClinGen allele CA10385153.